The following is an entry in ClinVar:

NM_020919.4(ALS2):c.4820A>T (p.Tyr1607Phe)

Gene: ALS2 (alsin Rho guanine nucleotide exchange factor ALS2; minus strand). Cytogenetic location: 2q33.1.
Variant type: single nucleotide variant.
Coding change: c.4820A>T on transcript NM_020919.4 (MANE Select); coding-DNA position 4820, A replaced by T.
Protein change: p.Tyr1607Phe; replaces tyrosine 1607 with phenylalanine.
Molecular consequence: missense variant.
Genome position (GRCh38, 1-based): chr2:201,704,472, T>A on the plus strand (A>T on the coding strand, the complement: ALS2 is on the minus strand). VCF-style: chr2-201704472-T-A. GRCh37 (hg19) VCF-style: chr2-202569195-T-A.
Other names: short protein forms Y1607F.
Identifiers: ClinVar variation 1344403 (VCV001344403.7), dbSNP rs370296035, ClinGen allele CA63977410.
Genomic context (GRCh38, chr2:201,704,472, plus strand): 5'-AAAAATAACGACTCACTAATAACAAAGTCATAAAACAGTTACCTGGCCCGTAGCACCACA[T>A]ATAAGAAAACAGGAAACAAGTCATCCATGGACCACAAGAAGTCTTCGTGGAGTGACGCCA-3'
Protein context (NP_065970.2, residues 1597-1617): SMDDLFPVFL[Tyr1607Phe]VVLRARIRNL

ClinVar aggregate classification (germline): Uncertain significance. Review status: criteria provided, multiple submitters, no conflicts (2 of 4 stars). 4 submissions from 4 submitters: Uncertain significance (4). Last evaluated 2025-09-01.

Conditions:
Infantile-onset ascending hereditary spastic paralysis (IAHSP). Also called: Autosomal Recessive Juvenile Amyotrophic Lateral Sclerosis; Infantile-Onset Ascending Hereditary Spastic Paralysis (IAHSP). Identifiers: Orphanet 293168, MedGen C2931441, MONDO:0011797, OMIM 607225. Disease mechanism: loss of function.
Inborn genetic diseases. Identifiers: MedGen C0950123, MeSH D030342.
Hereditary spastic paraplegia. Also called: Familial spastic paraparesis. Identifiers: Orphanet 685, MedGen C0037773, MONDO:0019064. Disease mechanism: loss of function.

Allele frequency attached by ClinVar (database versions not stated): gnomAD exomes below 0.00001 and 0.00001; gnomAD 0.00001; TOPMed 0.00001; ESP Exome Variant Server 0.00008.
gnomAD v4.1: 13 of 1,613,946 alleles (0.00081%); highest among the groups gnomAD compares: African/African-American, 0.0013%; no homozygotes.

Submissions (4):

Ambry Genetics
Classification: Uncertain significance for Inborn genetic diseases. Last evaluated: 2025-09-01. Review status: criteria provided, single submitter. Criteria: Ambry Variant Classification Scheme 2023. Collection method: clinical testing. Allele origin: germline.

Labcorp Genetics (formerly Invitae), Labcorp
Classification: Uncertain significance for Infantile-onset ascending hereditary spastic paralysis. Last evaluated: 2022-06-22. Review status: criteria provided, single submitter. Criteria: Invitae Variant Classification Sherloc (09022015). Collection method: clinical testing. Allele origin: germline.
Comment: This sequence change replaces tyrosine, which is neutral and polar, with phenylalanine, which is neutral and non-polar, at codon 1607 of the ALS2 protein (p.Tyr1607Phe). This variant is present in population databases (rs370296035, gnomAD 0.0009%). This variant has not been reported in the literature in individuals affected with ALS2-related conditions. Algorithms developed to predict the effect of missense changes on protein structure and function are either unavailable or do not agree on the potential impact of this missense change (SIFT: "Tolerated"; PolyPhen-2: "Possibly Damaging"; Align-GVGD: "Class C0"). In summary, the available evidence is currently insufficient to determine the role of this variant in disease. Therefore, it has been classified as a Variant of Uncertain Significance.

Blueprint Genetics
Classification: Uncertain significance. Last evaluated: 2021-04-07. Review status: criteria provided, single submitter. Criteria: ACMG Guidelines, 2015. Collection method: clinical testing. Allele origin: germline.

Genome Diagnostics Laboratory, The Hospital for Sick Children
Classification: Uncertain significance for Hereditary spastic paraplegia. Last evaluated: 2019-12-01. Review status: criteria provided, single submitter. Criteria: ACMG Guidelines, 2015. Collection method: clinical testing. Allele origin: germline. Affected: yes.